The following is an entry in ClinVar:

ClinVar aggregate classification (germline): Uncertain significance. Review status: criteria provided, multiple submitters, no conflicts (2 of 4 stars). 5 submissions from 5 submitters: Uncertain significance (5). Last evaluated 2026-01-27.

Conditions:
Hereditary cancer-predisposing syndrome. Also called: Neoplastic Syndromes, Hereditary; Hereditary neoplastic syndrome; Tumor predisposition; Hereditary Cancer Syndrome. Identifiers: Orphanet 140162, MedGen C0027672, MeSH D009386, MONDO:0015356.
Multiple endocrine neoplasia type 4. Also called: MULTIPLE ENDOCRINE NEOPLASIA, TYPE IV. Identifiers: Orphanet 276152, MedGen C1970712, MONDO:0012552, OMIM 610755.

Allele frequency attached by ClinVar (database versions not stated): TOPMed 0.00003.

Submissions (5):

Labcorp Genetics (formerly Invitae), Labcorp
Classification: Uncertain significance for Multiple endocrine neoplasia type 4. Last evaluated: 2026-01-27. Review status: criteria provided, single submitter. Criteria: Invitae Variant Classification Sherloc (09022015). Collection method: clinical testing. Allele origin: germline.
Comment: This sequence change replaces methionine, which is neutral and non-polar, with leucine, which is neutral and non-polar, at codon 52 of the CDKN1B protein (p.Met52Leu). This variant is present in population databases (rs760647541, gnomAD 0.0009%). This variant has not been reported in the literature in individuals affected with CDKN1B-related conditions. ClinVar contains an entry for this variant (Variation ID: 662565). An algorithm developed to predict the effect of missense changes on protein structure and function (PolyPhen-2) suggests that this variant is likely to be tolerated. In summary, the available evidence is currently insufficient to determine the role of this variant in disease. Therefore, it has been classified as a Variant of Uncertain Significance.

Ambry Genetics
Classification: Uncertain significance for Hereditary cancer-predisposing syndrome. Last evaluated: 2024-03-20. Review status: criteria provided, single submitter. Criteria: Ambry Variant Classification Scheme 2023. Collection method: clinical testing. Allele origin: germline.
Comment: The p.M52L variant (also known as c.154A>T), located in coding exon 1 of the CDKN1B gene, results from an A to T substitution at nucleotide position 154. The methionine at codon 52 is replaced by leucine, an amino acid with highly similar properties. This amino acid position is well conserved in available vertebrate species. In addition, this alteration is predicted to be tolerated by in silico analysis. Since supporting evidence is limited at this time, the clinical significance of this alteration remains unclear.

Fulgent Genetics
Classification: Uncertain significance for Multiple endocrine neoplasia type 4. Last evaluated: 2024-03-13. Review status: criteria provided, single submitter. Criteria: ACMG Guidelines, 2015. Collection method: clinical testing. Allele origin: germline.

Baylor Genetics
Classification: Uncertain significance for Multiple endocrine neoplasia type 4. Last evaluated: 2024-01-18. Review status: criteria provided, single submitter. Criteria: ACMG Guidelines, 2015. Collection method: clinical testing. Allele origin: unknown.

GeneDx
Classification: Uncertain significance. Last evaluated: 2023-10-05. Review status: criteria provided, single submitter. Criteria: GeneDx Variant Classification Process June 2021. Collection method: clinical testing. Allele origin: germline. Affected: yes.
Comment: Not observed at significant frequency in large population cohorts (gnomAD); In silico analysis supports that this missense variant does not alter protein structure/function; Has not been previously published as pathogenic or benign to our knowledge

NM_004064.5(CDKN1B):c.154A>T (p.Met52Leu)

Gene: CDKN1B (cyclin dependent kinase inhibitor 1B; plus strand). Cytogenetic location: 12p13.1.
Variant type: single nucleotide variant.
Coding change: c.154A>T on transcript NM_004064.5 (MANE Select); coding-DNA position 154, A replaced by T.
Protein change: p.Met52Leu; replaces methionine 52 with leucine.
Molecular consequence: missense variant.
Genome position (GRCh38, 1-based): chr12:12,717,993, A>T. VCF-style: chr12-12717993-A-T. GRCh37 (hg19) VCF-style: chr12-12870927-A-T.
Other names: short protein forms M52L.
Identifiers: ClinVar variation 662565 (VCV000662565.19), dbSNP rs760647541, ClinGen allele CA6457396.